The following is an entry in ClinVar:

NM_004360.5(CDH1):c.163+5G>C

Gene: CDH1 (cadherin 1; plus strand). Cytogenetic location: 16q22.1.
Variant type: single nucleotide variant.
Coding change: c.163+5G>C on transcript NM_004360.5 (MANE Select); 5 bases into the intron after coding-DNA position 163, G replaced by C.
Molecular consequence: intron variant.
Genome position (GRCh38, 1-based): chr16:68,738,416, G>C. VCF-style: chr16-68738416-G-C. GRCh37 (hg19) VCF-style: chr16-68772319-G-C.
Other names: c.-1453+5G>C (NM_001317185.2); c.-1657+5G>C (NM_001317186.2); c.163+5G>C (NM_001317184.2).
Identifiers: ClinVar variation 3662361 (VCV003662361.2).
Genomic context (GRCh38, chr16:68,738,416, plus strand): 5'-CTACACGTTCACGGTGCCCCGGCGCCACCTGGAGAGAGGCCGCGTCCTGGGCAGAGGTGA[G>C]GGCGCGCTGCCGGTGTCCCTGGGCGGAGTAGGGAGGGGTTGGAAAGGGGCCGAGAAATTG-3'

ClinVar aggregate classification (germline): Uncertain significance (1 of 4 stars; one submission).

Conditions:
Hereditary diffuse gastric adenocarcinoma (HDGC). Also called: DIFFUSE GASTRIC AND LOBULAR BREAST CANCER SYNDROME. Identifiers: Orphanet 26106, MedGen C1708349, MONDO:0007648, OMIM 137215.

Submission:

Labcorp Genetics (formerly Invitae), Labcorp
Classification: Uncertain significance for Hereditary diffuse gastric adenocarcinoma. Last evaluated: 2024-08-14. Review status: criteria provided, single submitter. Criteria: Invitae Variant Classification Sherloc (09022015). Collection method: clinical testing. Allele origin: germline.
Comment: This sequence change falls in intron 2 of the CDH1 gene. It does not directly change the encoded amino acid sequence of the CDH1 protein. It affects a nucleotide within the consensus splice site. This variant is not present in population databases (gnomAD no frequency). This variant has not been reported in the literature in individuals affected with CDH1-related conditions. Variants that disrupt the consensus splice site are a relatively common cause of aberrant splicing (PMID: 17576681, 9536098). Algorithms developed to predict the effect of sequence changes on RNA splicing suggest that this variant is not likely to affect RNA splicing. In summary, the available evidence is currently insufficient to determine the role of this variant in disease. Therefore, it has been classified as a Variant of Uncertain Significance.

Literature cited by the submitters: PubMed 17576681; PubMed 9536098.